The following is an entry in ClinVar:

ClinVar aggregate classification (germline): Uncertain significance (1 of 4 stars; one submission).

Submission:

GeneDx
Classification: Uncertain significance. Last evaluated: 2025-07-24. Review status: criteria provided, single submitter. Criteria: GeneDx Variant Classification Process June 2021. Collection method: clinical testing. Allele origin: germline. Affected: yes.
Comment: Not observed at significant frequency in large population cohorts (gnomAD); In silico analysis supports that this missense variant has a deleterious effect on protein structure/function; Has not been previously published as pathogenic or benign to our knowledge

NM_004595.5(SMS):c.740A>T (p.Asp247Val)

Gene: SMS (spermine synthase; plus strand). Cytogenetic location: Xp22.11.
Variant type: single nucleotide variant.
Coding change: c.740A>T on transcript NM_004595.5 (MANE Select); coding-DNA position 740, A replaced by T.
Protein change: p.Asp247Val; replaces aspartic acid 247 with valine.
Molecular consequence: missense variant.
Genome position (GRCh38, 1-based): chrX:21,978,956, A>T. VCF-style: chrX-21978956-A-T. GRCh37 (hg19) VCF-style: chrX-21997074-A-T.
Other names: c.581A>T, p.Asp194Val (NM_001258423.2); short protein forms D194V, D247V.
Identifiers: ClinVar variation 4687005 (VCV004687005.1).